The following is an entry in ClinVar:

NM_000051.4(ATM):c.*1604C>T

Genes: C11orf65 (chromosome 11 open reading frame 65; minus strand), ATM (ATM serine/threonine kinase; plus strand). Cytogenetic location: 11q22.3.
Variant type: single nucleotide variant.
Coding change: c.*1604C>T on transcript NM_000051.4 (MANE Select); 1604 bases downstream of the stop codon, C replaced by T.
Molecular consequence: 3 prime UTR variant. On other transcripts: intron variant (2).
Genome position (GRCh38, 1-based): chr11:108,367,112, C>T. VCF-style: chr11-108367112-C-T. GRCh37 (hg19) VCF-style: chr11-108237839-C-T.
Other names: c.*1604C>T (NM_001351834.2); c.640+18808G>A (NM_001330368.2); c.694+18808G>A (NM_001351110.2).
Identifiers: ClinVar variation 302272 (VCV000302272.8), dbSNP rs227091, ClinGen allele CA10637007.

ClinVar aggregate classification (germline): Benign. Review status: criteria provided, multiple submitters, no conflicts (2 of 4 stars). 2 submissions from 2 submitters: Benign (2). Last evaluated 2018-01-13.

Conditions:
Ataxia-telangiectasia syndrome (AT). Also called: Ataxia telangiectasia (A-T); Cerebello-oculocutaneous telangiectasia; Immunodeficiency with ataxia telangiectasia; LOUIS-BAR SYNDROME; AT, COMPLEMENTATION GROUP C; ATAXIA-TELANGIECTASIA, FRESNO VARIANT. Identifiers: Orphanet 100, MedGen C0004135, MONDO:0008840, OMIM 208900.

Allele frequency attached by ClinVar (database versions not stated): TOPMed 0.51308; gnomAD 0.51797 and 0.52264; 1000 Genomes Project 0.51817; gnomAD exomes 0.55684; 1000 Genomes Project 30x 0.51796.
gnomAD v4.1: 94,831 of 179,358 alleles (53%); highest among the groups gnomAD compares: Middle Eastern, 73%; 25,966 homozygotes.

Submissions (2):

Illumina Laboratory Services, Illumina
Classification: Benign for Ataxia-telangiectasia syndrome. Last evaluated: 2018-01-13. Review status: criteria provided, single submitter. Criteria: ICSL Variant Classification Criteria 13 December 2019. Collection method: clinical testing. Allele origin: germline.
Comment: This variant was observed in the ICSL laboratory as part of a predisposition screen in an ostensibly healthy population. It had not been previously curated by ICSL or reported in the Human Gene Mutation Database (HGMD: prior to June 1st, 2018), and was therefore a candidate for classification through an automated scoring system. Utilizing variant allele frequency, disease prevalence and penetrance estimates, and inheritance mode, an automated score was calculated to assess if this variant is too frequent to cause the disease. Based on the score and internal cut-off values, a variant classified as benign is not then subjected to further curation. The score for this variant resulted in a classification of benign for this disease.

Breakthrough Genomics
Classification: Benign. Review status: criteria provided, single submitter. Criteria: ACMG Guidelines, 2015. Collection method: not provided. Allele origin: germline. Inheritance: Autosomal recessive inheritance. Affected: yes.